The following is an entry in ClinVar:

ClinVar aggregate classification (germline): Uncertain significance (1 of 4 stars; one submission).

Conditions:
Inborn genetic diseases. Identifiers: MedGen C0950123, MeSH D030342.

Submission:

Ambry Genetics
Classification: Uncertain significance for Inborn genetic diseases. Last evaluated: 2026-04-28. Review status: criteria provided, single submitter. Criteria: Ambry Variant Classification Scheme 2023. Collection method: clinical testing. Allele origin: germline.
Comment: The c.1267G>A (p.V423M) alteration is located in exon 16 (coding exon 12) of the PAK3 gene. This alteration results from a G to A substitution at nucleotide position 1267, causing the valine (V) at amino acid position 423 to be replaced by a methionine (M). This variant was not reported in population-based cohorts in the Genome Aggregation Database (gnomAD). This amino acid position is highly conserved in available vertebrate species. This missense variant is located in a region that has a low rate of benign missense variation (Lek, 2016; Firth, 2009). The in silico prediction for this alteration is inconclusive. Based on insufficient or conflicting evidence, the clinical significance of this alteration remains unclear.

NM_002578.5(PAK3):c.1267G>A (p.Val423Met)

Gene: PAK3 (p21 (RAC1) activated kinase 3; plus strand). Cytogenetic location: Xq23.
Variant type: single nucleotide variant.
Coding change: c.1267G>A on transcript NM_002578.5 (MANE Select); coding-DNA position 1267, G replaced by A.
Protein change: p.Val423Met; replaces valine 423 with methionine.
Molecular consequence: missense variant. On other transcripts: non-coding transcript variant (2).
Genome position (GRCh38, 1-based): chrX:111,196,500, G>A. VCF-style: chrX-111196500-G-A. GRCh37 (hg19) VCF-style: chrX-110439728-G-A.
Other names: c.1267G>A, p.Val423Met (NM_001128166.3, NM_001128167.3, NM_001324325.2 and 5 more transcripts); c.1375G>A, p.Val459Met (NM_001128168.3); c.1330G>A, p.Val444Met (NM_001128172.2); c.1312G>A, p.Val438Met (NM_001128173.3, NM_001324327.2, NM_001324328.2 and 2 more transcripts); short protein forms V423M, V438M, V444M, V459M.
Identifiers: ClinVar variation 4861465 (VCV004861465.1).
Genomic context (GRCh38, chrX:111,196,500, plus strand): 5'-GCAGCTGACTTTGGGTTCTGTGCCCAGATCACTCCTGAGCAAAGTAAACGAAGCACTATG[G>A]TGGGAACCCCATATTGGATGGCACCTGAGGTGGTGACTCGAAAAGCTTATGGTCCGAAAG-3'
Protein context (NP_002569.1, residues 413-433): TPEQSKRSTM[Val423Met]GTPYWMAPEV